The following is an entry in ClinVar:

ClinVar aggregate classification (germline): Uncertain significance. Review status: criteria provided, multiple submitters, no conflicts (2 of 4 stars). 4 submissions from 4 submitters: Uncertain significance (3). 1 of the submissions does not count toward it. Last evaluated 2025-05-11.

Conditions:
Hereditary cancer-predisposing syndrome. Also called: Tumor predisposition; Neoplastic Syndromes, Hereditary; Hereditary Cancer Syndrome; Hereditary neoplastic syndrome. Identifiers: Orphanet 140162, MedGen C0027672, MeSH D009386, MONDO:0015356.
Ataxia-telangiectasia syndrome (AT). Also called: ATAXIA-TELANGIECTASIA, COMPLEMENTATION GROUP A; ATAXIA-TELANGIECTASIA, FRESNO VARIANT; LOUIS-BAR SYNDROME; Ataxia telangiectasia (A-T); Cerebello-oculocutaneous telangiectasia; Immunodeficiency with ataxia telangiectasia. Identifiers: Orphanet 100, MedGen C0004135, MONDO:0008840, OMIM 208900.

Submissions (4):

Ambry Genetics
Classification: Uncertain significance for Hereditary cancer-predisposing syndrome. Last evaluated: 2025-05-11. Review status: criteria provided, single submitter. Criteria: Ambry Variant Classification Scheme 2023. Collection method: clinical testing. Allele origin: germline.
Comment: The p.A1634T variant (also known as c.4900G>A), located in coding exon 31 of the ATM gene, results from a G to A substitution at nucleotide position 4900. The alanine at codon 1634 is replaced by threonine, an amino acid with similar properties. This amino acid position is not well conserved in available vertebrate species. In addition, this alteration is predicted to be tolerated by in silico analysis. Since supporting evidence is limited at this time, the clinical significance of this alteration remains unclear.

Labcorp Genetics (formerly Invitae), Labcorp
Classification: Uncertain significance for Ataxia-telangiectasia syndrome. Last evaluated: 2024-03-30. Review status: criteria provided, single submitter. Criteria: Invitae Variant Classification Sherloc (09022015). Collection method: clinical testing. Allele origin: germline.
Comment: This sequence change replaces alanine, which is neutral and non-polar, with threonine, which is neutral and polar, at codon 1634 of the ATM protein (p.Ala1634Thr). This variant is not present in population databases (gnomAD no frequency). This variant has not been reported in the literature in individuals affected with ATM-related conditions. ClinVar contains an entry for this variant (Variation ID: 628569). An algorithm developed to predict the effect of missense changes on protein structure and function (PolyPhen-2) suggests that this variant is likely to be tolerated. In summary, the available evidence is currently insufficient to determine the role of this variant in disease. Therefore, it has been classified as a Variant of Uncertain Significance.

Color Diagnostics, LLC DBA Color Health
Classification: Uncertain significance for Hereditary cancer-predisposing syndrome. Last evaluated: 2024-03-06. Review status: criteria provided, single submitter. Criteria: ACMG Guidelines, 2015. Collection method: clinical testing. Allele origin: germline.
Comment: This missense variant replaces alanine with threonine at codon 1634 of the ATM protein. Computational prediction suggests that this variant may not impact protein structure and function (internally defined REVEL score threshold <= 0.5, PMID: 27666373). Splice site prediction tools suggest that this variant may not impact RNA splicing. To our knowledge, functional studies have not been performed for this variant. This variant has not been reported in individuals affected with hereditary cancer in the literature. This variant has not been identified in the general population by the Genome Aggregation Database (gnomAD). The available evidence is insufficient to determine the role of this variant in disease conclusively. Therefore, this variant is classified as a Variant of Uncertain Significance.

Natera, Inc.
Classification: Uncertain significance for Ataxia-telangiectasia. Last evaluated: 2020-09-16. Review status: no assertion criteria provided. Collection method: clinical testing. Allele origin: germline. Not counted in ClinVar's aggregate classification.

NM_000051.4(ATM):c.4900G>A (p.Ala1634Thr)

Gene: ATM (ATM serine/threonine kinase; plus strand). Cytogenetic location: 11q22.3.
Variant type: single nucleotide variant.
Coding change: c.4900G>A on transcript NM_000051.4 (MANE Select); coding-DNA position 4900, G replaced by A.
Protein change: p.Ala1634Thr; replaces alanine 1634 with threonine.
Molecular consequence: missense variant.
Genome position (GRCh38, 1-based): chr11:108,295,050, G>A. VCF-style: chr11-108295050-G-A. GRCh37 (hg19) VCF-style: chr11-108165777-G-A.
Other names: c.4900G>A, p.Ala1634Thr (NM_001351834.2); short protein forms A1634T.
Identifiers: ClinVar variation 628569 (VCV000628569.20), dbSNP rs1565466632, ClinGen allele CA382537268.